The following is an entry in ClinVar:

ClinVar aggregate classification (germline): Uncertain significance (1 of 4 stars; one submission).

Conditions:
Ullrich congenital muscular dystrophy 2 (UCMD2). Identifiers: Orphanet 75840, MedGen C4225314, MONDO:0014654, OMIM 616470.
Bethlem myopathy 2 (BTHLM2). Identifiers: Orphanet 536516, Orphanet 610, MedGen C4225313, MONDO:0034022, OMIM 616471.

Allele frequency attached by ClinVar (database versions not stated): TOPMed below 0.00001; gnomAD 0.00001.
gnomAD v4.1: 9 of 1,612,296 alleles (0.00056%); highest among the groups gnomAD compares: African/African-American, 0.0013%; no homozygotes.

Submission:

Labcorp Genetics (formerly Invitae), Labcorp
Classification: Uncertain significance for Bethlem myopathy 2; Ullrich congenital muscular dystrophy 2. Last evaluated: 2025-11-19. Review status: criteria provided, single submitter. Criteria: Invitae Variant Classification Sherloc (09022015). Collection method: clinical testing. Allele origin: germline.
Comment: This sequence change falls in intron 45 of the COL12A1 gene. It does not directly change the encoded amino acid sequence of the COL12A1 protein. It affects a nucleotide within the consensus splice site. This variant is present in population databases (no rsID available, gnomAD 0.01%). This variant has not been reported in the literature in individuals affected with COL12A1-related conditions. ClinVar contains an entry for this variant (Variation ID: 648792). Variants that disrupt the consensus splice site are a relatively common cause of aberrant splicing (PMID: 17576681, 9536098). Algorithms developed to predict the effect of sequence changes on RNA splicing suggest that this variant is not likely to affect RNA splicing. In summary, the available evidence is currently insufficient to determine the role of this variant in disease. Therefore, it has been classified as a Variant of Uncertain Significance.

Literature cited by the submitters: PubMed 17576681; PubMed 9536098.

NM_004370.6(COL12A1):c.7210+4T>G

Genes: COL12A1 (collagen type XII alpha 1 chain; minus strand), LOC126859712 (MED14-independent group 3 enhancer GRCh37_chr6:75828643-75829842; plus strand). Cytogenetic location: 6q13.
Variant type: single nucleotide variant.
Coding change: c.7210+4T>G on transcript NM_004370.6 (MANE Select); 4 bases into the intron after coding-DNA position 7210, T replaced by G.
Molecular consequence: intron variant.
Genome position (GRCh38, 1-based): chr6:75,119,346, A>C on the plus strand (T>G on the coding strand, the complement: COL12A1 is on the minus strand). VCF-style: chr6-75119346-A-C. GRCh37 (hg19) VCF-style: chr6-75829062-A-C.
Other names: c.3718+4T>G (NM_080645.3).
Identifiers: ClinVar variation 648792 (VCV000648792.9), dbSNP rs201950823, ClinGen allele CA568224918.